The following is an entry in ClinVar:

NM_002474.3(MYH11):c.5907G>C (p.Lys1969Asn)

Genes: MYH11 (myosin heavy chain 11; minus strand), NDE1 (nudE neurodevelopment protein 1; plus strand). Cytogenetic location: 16p13.11.
Variant type: single nucleotide variant.
Coding change: c.5907G>C on transcript NM_002474.3 (MANE Select); coding-DNA position 5907, G replaced by C.
Protein change: p.Lys1969Asn; replaces lysine 1969 with asparagine.
Molecular consequence: missense variant. On other transcripts: 3 prime UTR variant (2), intron variant (2).
Genome position (GRCh38, 1-based): chr16:15,704,003, C>G on the plus strand (G>C on the coding strand, the complement: MYH11 is on the minus strand). VCF-style: chr16-15704003-C-G. GRCh37 (hg19) VCF-style: chr16-15797860-C-G.
Other names: c.*129G>C (NM_001040113.2, NM_022844.3); c.5928G>C, p.Lys1976Asn (NM_001040114.2); c.947+7143C>G (NM_001143979.2, NM_017668.3); short protein forms K1969N, K1976N.
Identifiers: ClinVar variation 5025087 (VCV005025087.1).
Genomic context (GRCh38, chr16:15,704,003, plus strand): 5'-TTTTGGTTTTTGGTTTTCTTGCCGTGGTGCAAAACTGTAGAAAGTTGCTTATTCACTGGC[C>G]TTGGTTCCATTGAAGTCTGCGTCTCGAGTGTCCGTTTCCTCCTCAGAACCATCTGCATTT-3'
Protein context (NP_002465.1, residues 1959-1972): DTRDADFNGT[Lys1969Asn]ASE

ClinVar aggregate classification (germline): Uncertain significance (1 of 4 stars; one submission).

Conditions:
Familial thoracic aortic aneurysm and aortic dissection (TAAD). Also called: Thoracic aortic aneurysms and dissections. Identifiers: Orphanet 91387, MedGen C4707243, MONDO:0019625.

Submission:

Ambry Genetics
Classification: Uncertain significance for Familial thoracic aortic aneurysm and aortic dissection. Last evaluated: 2026-07-07. Review status: criteria provided, single submitter. Criteria: Ambry Variant Classification Scheme 2023. Collection method: clinical testing. Allele origin: germline.
Comment: The p.K1969N variant (also known as c.5907G>C), located in coding exon 40 of the MYH11 gene, results from a G to C substitution at nucleotide position 5907. The lysine at codon 1969 is replaced by asparagine, an amino acid with similar properties. This amino acid position is conserved. In addition, this alteration is predicted to be tolerated by in silico analysis. Based on the available evidence, the clinical significance of this variant remains unclear.